The following is an entry in ClinVar:

ClinVar aggregate classification (germline): Uncertain significance (1 of 4 stars; one submission).

Conditions:
TBX3-related disorder. Also called: TBX3-related condition.

Submission:

PreventionGenetics, part of Exact Sciences
Classification: Uncertain significance for TBX3-related condition. Last evaluated: 2025-06-19. Review status: criteria provided, single submitter. Criteria: ACMG Guidelines, 2015. Collection method: clinical testing. Allele origin: germline.
Comment: The TBX3 c.1873C>G variant is predicted to result in the amino acid substitution p.Arg625Gly. To our knowledge, this variant has not been reported in the literature or in a large population database (gnomAD), indicating this variant is rare. At this time, the clinical significance of this variant is uncertain due to the absence of conclusive functional and genetic evidence.

NM_005996.4(TBX3):c.1813C>G (p.Arg605Gly)

Gene: TBX3 (T-box transcription factor 3; minus strand). Cytogenetic location: 12q24.21.
Variant type: single nucleotide variant.
Coding change: c.1813C>G on transcript NM_005996.4 (MANE Select); coding-DNA position 1813, C replaced by G.
Protein change: p.Arg605Gly; replaces arginine 605 with glycine.
Molecular consequence: missense variant.
Genome position (GRCh38, 1-based): chr12:114,672,200, G>C on the plus strand (C>G on the coding strand, the complement: TBX3 is on the minus strand). VCF-style: chr12-114672200-G-C. GRCh37 (hg19) VCF-style: chr12-115110005-G-C.
Other names: c.1873C>G, p.Arg625Gly (NM_016569.4); short protein forms R625G, R605G.
Identifiers: ClinVar variation 4999435 (VCV004999435.1).